The following is an entry in ClinVar:

NM_001378743.1(CYLD):c.2469+1G>A

Genes: CYLD (CYLD lysine 63 deubiquitinase; plus strand), CYLD-AS2 (CYLD antisense RNA 2; minus strand). Cytogenetic location: 16q12.1.
Variant type: single nucleotide variant.
Coding change: c.2469+1G>A on transcript NM_001378743.1 (MANE Select); the canonical splice donor site of the intron after coding-DNA position 2469, G replaced by A.
Molecular consequence: splice donor variant.
Genome position (GRCh38, 1-based): chr16:50,793,665, G>A. VCF-style: chr16-50793665-G-A. GRCh37 (hg19) VCF-style: chr16-50827576-G-A.
Other names: CYLD, NT2469, G-A, +1; c.2469+1G>A (NM_015247.3); c.2460+1G>A (NM_001378745.1, NM_001378744.1, NM_001042355.2 and 6 more transcripts); c.2430+1G>A (NM_001378753.1, NM_001378751.1, NM_001378752.1); c.1794+1G>A (NM_001378754.1, NM_001378755.1).
Identifiers: ClinVar variation 5252 (VCV000005252.2), dbSNP rs1597091470, ClinGen allele CA395880308.

ClinVar aggregate classification (germline): Pathogenic. Review status: criteria provided, single submitter (1 of 4 stars). 2 submissions from 2 submitters: Pathogenic (1). 1 of the submissions does not count toward it. Last evaluated 2025-12-10.

Conditions:
Familial cylindromatosis. Also called: ANCELL-SPIEGLER CYLINDROMAS; Turban tumor syndrome. Identifiers: Orphanet 211, Orphanet 79493, MedGen C1851526, MONDO:0007565, OMIM 132700.

Submissions (2):

Labcorp Genetics (formerly Invitae), Labcorp
Classification: Pathogenic. Last evaluated: 2025-12-10. Review status: criteria provided, single submitter. Criteria: Invitae Variant Classification Sherloc (09022015). Collection method: clinical testing. Allele origin: germline.
Comment: This sequence change affects a donor splice site in intron 18 of the CYLD gene. It is expected to disrupt RNA splicing. Variants that disrupt the donor or acceptor splice site typically lead to a loss of protein function (PMID: 16199547), and loss-of-function variants in CYLD are known to be pathogenic (PMID: 19462465). This variant is not present in population databases (gnomAD no frequency). Disruption of this splice site has been observed in individuals with familial cylindromatosis (PMID: 10835629, 19917957). It has also been observed to segregate with disease in related individuals. ClinVar contains an entry for this variant (Variation ID: 5252). Algorithms developed to predict the effect of sequence changes on RNA splicing suggest that this variant may disrupt the consensus splice site. For these reasons, this variant has been classified as Pathogenic.

OMIM
Classification: Pathogenic for CYLINDROMATOSIS, FAMILIAL. Last evaluated: 2000-06-01. Review status: no assertion criteria provided. Collection method: literature only. Allele origin: germline. Not counted in ClinVar's aggregate classification.

Literature cited by the submitters: PubMed 16199547 (cited by Labcorp Genetics (formerly Invitae), Labcorp); PubMed 19462465 (cited by Labcorp Genetics (formerly Invitae), Labcorp); PubMed 10835629 (cited by Labcorp Genetics (formerly Invitae), Labcorp and OMIM); PubMed 19917957 (cited by Labcorp Genetics (formerly Invitae), Labcorp).